The following is an entry in ClinVar:

NM_014317.5(PDSS1):c.943T>C (p.Cys315Arg)

Gene: PDSS1 (decaprenyl diphosphate synthase subunit 1; plus strand). Cytogenetic location: 10p12.1.
Variant type: single nucleotide variant.
Coding change: c.943T>C on transcript NM_014317.5 (MANE Select); coding-DNA position 943, T replaced by C.
Protein change: p.Cys315Arg; replaces cysteine 315 with arginine.
Molecular consequence: missense variant. On other transcripts: intron variant (1).
Genome position (GRCh38, 1-based): chr10:26,735,496, T>C. VCF-style: chr10-26735496-T-C. GRCh37 (hg19) VCF-style: chr10-27024425-T-C.
Other names: c.836-7001T>C (NM_001321978.2); c.433T>C, p.Cys145Arg (NM_001321979.2); short protein forms C315R, C145R.
Identifiers: ClinVar variation 2025410 (VCV002025410.4), dbSNP rs2491621563, ClinGen allele CA376350747.

ClinVar aggregate classification (germline): Uncertain significance (1 of 4 stars; one submission).

Submission:

Labcorp Genetics (formerly Invitae), Labcorp
Classification: Uncertain significance. Last evaluated: 2022-02-18. Review status: criteria provided, single submitter. Criteria: Invitae Variant Classification Sherloc (09022015). Collection method: clinical testing. Allele origin: germline.
Comment: This sequence change replaces cysteine, which is neutral and slightly polar, with arginine, which is basic and polar, at codon 315 of the PDSS1 protein (p.Cys315Arg). This variant is not present in population databases (gnomAD no frequency). In summary, the available evidence is currently insufficient to determine the role of this variant in disease. Therefore, it has been classified as a Variant of Uncertain Significance. Algorithms developed to predict the effect of missense changes on protein structure and function are either unavailable or do not agree on the potential impact of this missense change (SIFT: "Not Available"; PolyPhen-2: "Possibly Damaging"; Align-GVGD: "Not Available"). This variant has not been reported in the literature in individuals affected with PDSS1-related conditions.